The following is an entry in ClinVar:

NM_015205.3(ATP11A):c.1484C>T (p.Ser495Leu)

Gene: ATP11A (ATPase phospholipid transporting 11A; plus strand). Cytogenetic location: 13q34.
Variant type: single nucleotide variant.
Coding change: c.1484C>T on transcript NM_015205.3 (MANE Select); coding-DNA position 1484, C replaced by T.
Protein change: p.Ser495Leu; replaces serine 495 with leucine.
Molecular consequence: missense variant.
Genome position (GRCh38, 1-based): chr13:112,832,948, C>T. VCF-style: chr13-112832948-C-T. GRCh37 (hg19) VCF-style: chr13-113487262-C-T.
Other names: c.1484C>T, p.Ser495Leu (NM_001405661.1, NM_001405662.1, NM_001405663.1 and 1 more transcripts); short protein forms S495L.
Identifiers: ClinVar variation 4882905 (VCV004882905.2).

ClinVar aggregate classification (germline): Uncertain significance (1 of 4 stars; one submission).

Submission:

Dasa
Classification: Uncertain significance. Last evaluated: 2025-07-23. Review status: criteria provided, single submitter. Criteria: DASA Assertion Criteria. Collection method: clinical testing. Allele origin: germline.
Comment: NM_015205.3(ATP11A):c.1484C>T (p.Ser495Leu) is a missense variant that results in the substitution of serine with leucine. This variant is rare in population databases. Computational prediction algorithms are consistent with a benign effect. The currently available literature and clinical evidence are not sufficient to establish a definitive association between this variant and the reported condition. Therefore, this variant is classified as a variant of uncertain significance.